The following is an entry in ClinVar:

ClinVar aggregate classification (germline): Uncertain significance (1 of 4 stars; one submission).

Submission:

Labcorp Genetics (formerly Invitae), Labcorp
Classification: Uncertain significance. Last evaluated: 2021-09-15. Review status: criteria provided, single submitter. Criteria: Invitae Variant Classification Sherloc (09022015). Collection method: clinical testing. Allele origin: germline.
Comment: A gross deletion of the genomic region encompassing the full coding sequence of the LMNB1 gene has been identified. The current clinical and genetic evidence is not sufficient to establish whether loss-of-function variants in LMNB1 cause disease. The boundaries of this event are unknown as they extend beyond the assayed region for this gene and therefore may encompass additional genes. This variant has not been reported in the literature in individuals affected with LMNB1-related conditions. In summary, the available evidence is currently insufficient to determine the role of this variant in disease. Therefore, it has been classified as a Variant of Uncertain Significance.

NC_000005.9:g.(?_125880657)_(126171956_?)del

Genes: ALDH7A1 (aldehyde dehydrogenase 7 family member A1; minus strand), LMNB1 (lamin B1; plus strand), PHAX (phosphorylated adaptor for RNA export; plus strand), SPMIP10 (sperm microtubule inner protein 10; plus strand). Cytogenetic location: 5q23.2.
Variant type: Deletion.
Identifiers: ClinVar variation 1450758 (VCV001450758.36).